The following is an entry in ClinVar:

ClinVar aggregate classification (germline): Uncertain significance (1 of 4 stars; one submission).

Conditions:
Congenital myasthenic syndrome 8. Also called: Myasthenic syndrome, congenital, 8, with pre- and postsynaptic defects; MYASTHENIC SYNDROME, CONGENITAL, DUE TO AGRIN DEFICIENCY. Identifiers: Orphanet 590, MedGen C3808739, MONDO:0014052, OMIM 615120.

Allele frequency attached by ClinVar (database versions not stated): gnomAD exomes below 0.00001.
gnomAD v4.1: 3 of 1,612,712 alleles (0.00019%); highest among the groups gnomAD compares: Non-Finnish European, 0.00025%; no homozygotes.

Submission:

Labcorp Genetics (formerly Invitae), Labcorp
Classification: Uncertain significance for Congenital myasthenic syndrome 8. Last evaluated: 2020-12-03. Review status: criteria provided, single submitter. Criteria: Invitae Variant Classification Sherloc (09022015). Collection method: clinical testing. Allele origin: germline.
Comment: In summary, the available evidence is currently insufficient to determine the role of this variant in disease. Therefore, it has been classified as a Variant of Uncertain Significance. Algorithms developed to predict the effect of missense changes on protein structure and function are either unavailable or do not agree on the potential impact of this missense change (SIFT: "Deleterious"; PolyPhen-2: "Possibly Damaging"; Align-GVGD: "Class C0"). This variant has not been reported in the literature in individuals with AGRN-related conditions. This variant is not present in population databases (ExAC no frequency). This sequence change replaces serine with leucine at codon 720 of the AGRN protein (p.Ser720Leu). The serine residue is highly conserved and there is a large physicochemical difference between serine and leucine.

NM_198576.4(AGRN):c.2159C>T (p.Ser720Leu)

Gene: AGRN (agrin; plus strand). Cytogenetic location: 1p36.33.
Variant type: single nucleotide variant.
Coding change: c.2159C>T on transcript NM_198576.4 (MANE Select); coding-DNA position 2159, C replaced by T.
Protein change: p.Ser720Leu; replaces serine 720 with leucine.
Molecular consequence: missense variant.
Genome position (GRCh38, 1-based): chr1:1,044,344, C>T. VCF-style: chr1-1044344-C-T. GRCh37 (hg19) VCF-style: chr1-979724-C-T.
Other names: c.2159C>T, p.Ser720Leu (NM_001305275.2); c.1844C>T, p.Ser615Leu (NM_001364727.2); short protein forms S615L, S720L.
Identifiers: ClinVar variation 1427316 (VCV001427316.8), dbSNP rs2100649359, ClinGen allele CA337836670.
Genomic context (GRCh38, chr1:1,044,344, plus strand): 5'-CGGGCGGCGGGGACGGGGCTGCGGCCGCTCACACTGACACCACCCTCCAGGTGTGCGGCT[C>T]AGATGGGGTCACCTACAGCACCGAGTGTGAGCTGAAGAAGGCCAGGTGTGAGTCACAGCG-3'
Protein context (NP_940978.2, residues 710-730): QSVPGSPVCG[Ser720Leu]DGVTYSTECE